The following is an entry in ClinVar:

ClinVar aggregate classification (germline): Uncertain significance (1 of 4 stars; one submission).

Submission:

Labcorp Genetics (formerly Invitae), Labcorp
Classification: Uncertain significance. Last evaluated: 2025-11-03. Review status: criteria provided, single submitter. Criteria: Invitae Variant Classification Sherloc (09022015). Collection method: clinical testing. Allele origin: germline.
Comment: This sequence change replaces alanine, which is neutral and non-polar, with threonine, which is neutral and polar, at codon 182 of the RHOBTB2 protein (p.Ala182Thr). This variant is not present in population databases (gnomAD no frequency). This variant has not been reported in the literature in individuals affected with RHOBTB2-related conditions. Invitae Evidence Modeling of protein sequence and biophysical properties (such as structural, functional, and spatial information, amino acid conservation, physicochemical variation, residue mobility, and thermodynamic stability) indicates that this missense variant is not expected to disrupt RHOBTB2 protein function with a negative predictive value of 80%. In summary, the available evidence is currently insufficient to determine the role of this variant in disease. Therefore, it has been classified as a Variant of Uncertain Significance.

NM_015178.3(RHOBTB2):c.478G>A (p.Ala160Thr)

Gene: RHOBTB2 (Rho related BTB domain containing 2; plus strand). Cytogenetic location: 8p21.3.
Variant type: single nucleotide variant.
Coding change: c.478G>A on transcript NM_015178.3 (MANE Select); coding-DNA position 478, G replaced by A.
Protein change: p.Ala160Thr; replaces alanine 160 with threonine.
Molecular consequence: missense variant.
Genome position (GRCh38, 1-based): chr8:23,006,141, G>A. VCF-style: chr8-23006141-G-A. GRCh37 (hg19) VCF-style: chr8-22863654-G-A.
Other names: c.544G>A, p.Ala182Thr (NM_001160036.2); c.499G>A, p.Ala167Thr (NM_001160037.2); c.478G>A, p.Ala160Thr (NM_001374791.1); short protein forms A160T, A182T, A167T.
Identifiers: ClinVar variation 4745236 (VCV004745236.1).